The following is an entry in ClinVar:

NM_005751.5(AKAP9):c.8646+3A>G

Gene: AKAP9 (A-kinase anchoring protein 9; plus strand). Cytogenetic location: 7q21.2.
Variant type: single nucleotide variant.
Coding change: c.8646+3A>G on transcript NM_005751.5 (MANE Select); 3 bases into the intron after coding-DNA position 8646, A replaced by G.
Molecular consequence: intron variant.
Genome position (GRCh38, 1-based): chr7:92,083,658, A>G. VCF-style: chr7-92083658-A-G. GRCh37 (hg19) VCF-style: chr7-91712972-A-G.
Other names: c.8646+3A>G (NM_005751.4); c.8622+3A>G (NM_147185.3); c.3291+3A>G (NM_001379277.1).
Identifiers: ClinVar variation 3678376 (VCV003678376.3).

ClinVar aggregate classification (germline): Uncertain significance. Review status: criteria provided, multiple submitters, no conflicts (2 of 4 stars). 2 submissions from 2 submitters: Uncertain significance (2). Last evaluated 2026-07-09.

Conditions:
Long QT syndrome (LQTS). Identifiers: MedGen C0023976, MeSH D008133, MONDO:0002442. Disease mechanism: loss of function. Inheritance: Various modes of inheritance.
Cardiovascular phenotype. Identifiers: MedGen CN230736.

gnomAD v4.1: 1 of 1,610,376 alleles (0.000062%); highest among the groups gnomAD compares: Non-Finnish European, 0.000085%; no homozygotes.

Submissions (2):

Ambry Genetics
Classification: Uncertain significance for Cardiovascular phenotype. Last evaluated: 2026-07-09. Review status: criteria provided, single submitter. Criteria: Ambry Variant Classification Scheme 2023. Collection method: clinical testing. Allele origin: germline.
Comment: The c.8646+3A>G intronic variant results from an A to G substitution 3 nucleotides after coding exon 33 in the AKAP9 gene. This nucleotide position is highly conserved in available vertebrate species. In silico splice site analysis predicts that this alteration may weaken the native splice donor site. The evidence for this gene-disease relationship is limited; therefore, the clinical significance of this variant is unclear.

Labcorp Genetics (formerly Invitae), Labcorp
Classification: Uncertain significance for Long QT syndrome. Last evaluated: 2024-06-25. Review status: criteria provided, single submitter. Criteria: Invitae Variant Classification Sherloc (09022015). Collection method: clinical testing. Allele origin: germline.
Comment: This sequence change falls in intron 33 of the AKAP9 gene. It does not directly change the encoded amino acid sequence of the AKAP9 protein. It affects a nucleotide within the consensus splice site. This variant is not present in population databases (gnomAD no frequency). This variant has not been reported in the literature in individuals affected with AKAP9-related conditions. Variants that disrupt the consensus splice site are a relatively common cause of aberrant splicing (PMID: 17576681, 9536098). Algorithms developed to predict the effect of sequence changes on RNA splicing suggest that this variant may disrupt the consensus splice site. In summary, the available evidence is currently insufficient to determine the role of this variant in disease. Therefore, it has been classified as a Variant of Uncertain Significance.

Literature cited by the submitters: PubMed 17576681 (cited by Labcorp Genetics (formerly Invitae), Labcorp); PubMed 9536098 (cited by Labcorp Genetics (formerly Invitae), Labcorp).